The following is an entry in ClinVar:

ClinVar aggregate classification (germline): Uncertain significance. Review status: criteria provided, multiple submitters, no conflicts (2 of 4 stars). 3 submissions from 3 submitters: Uncertain significance (3). Last evaluated 2026-01-08.

Conditions:
Inborn genetic diseases. Identifiers: MedGen C0950123, MeSH D030342.

gnomAD v4.1: 11 of 1,612,976 alleles (0.00068%); highest among the groups gnomAD compares: South Asian, 0.0022%; no homozygotes.

Submissions (3):

Labcorp Genetics (formerly Invitae), Labcorp
Classification: Uncertain significance. Last evaluated: 2026-01-08. Review status: criteria provided, single submitter. Criteria: Invitae Variant Classification Sherloc (09022015). Collection method: clinical testing. Allele origin: germline.
Comment: This sequence change replaces leucine, which is neutral and non-polar, with serine, which is neutral and polar, at codon 1649 of the ANKRD26 protein (p.Leu1649Ser). This variant is present in population databases (rs201953836, gnomAD 0.003%). This variant has not been reported in the literature in individuals affected with ANKRD26-related conditions. ClinVar contains an entry for this variant (Variation ID: 3396666). An algorithm developed to predict the effect of missense changes on protein structure and function (PolyPhen-2) suggests that this variant is likely to be disruptive. In summary, the available evidence is currently insufficient to determine the role of this variant in disease. Therefore, it has been classified as a Variant of Uncertain Significance.

GeneDx
Classification: Uncertain significance. Last evaluated: 2025-07-31. Review status: criteria provided, single submitter. Criteria: GeneDx Variant Classification Process June 2021. Collection method: clinical testing. Allele origin: germline.
Comment: Not observed at significant frequency in large population cohorts (gnomAD); In silico analysis supports that this missense variant has a deleterious effect on protein structure/function; Has not been previously published as pathogenic or benign to our knowledge

Ambry Genetics
Classification: Uncertain significance for Inborn genetic diseases. Last evaluated: 2024-11-25. Review status: criteria provided, single submitter. Criteria: Ambry Variant Classification Scheme 2023. Collection method: clinical testing. Allele origin: germline.
Comment: The p.L1649S variant (also known as c.4946T>C), located in coding exon 32 of the ANKRD26 gene, results from a T to C substitution at nucleotide position 4946. The leucine at codon 1649 is replaced by serine, an amino acid with dissimilar properties. This amino acid position is conserved. In addition, this alteration is predicted to be tolerated by in silico analysis. Based on the available evidence, the clinical significance of this variant remains unclear.

NM_014915.3(ANKRD26):c.4946T>C (p.Leu1649Ser)

Gene: ANKRD26 (ankyrin repeat domain 26; minus strand). Cytogenetic location: 10p12.1.
Variant type: single nucleotide variant.
Coding change: c.4946T>C on transcript NM_014915.3 (MANE Select); coding-DNA position 4946, T replaced by C.
Protein change: p.Leu1649Ser; replaces leucine 1649 with serine.
Molecular consequence: missense variant.
Genome position (GRCh38, 1-based): chr10:27,012,889, A>G on the plus strand (T>C on the coding strand, the complement: ANKRD26 is on the minus strand). VCF-style: chr10-27012889-A-G. GRCh37 (hg19) VCF-style: chr10-27301818-A-G.
Other names: c.4943T>C, p.Leu1648Ser (NM_001256053.2); short protein forms L1648S, L1649S.
Identifiers: ClinVar variation 3396666 (VCV003396666.4).